The following is an entry in ClinVar:

NM_001754.5(RUNX1):c.630A>G (p.Leu210=)

Gene: RUNX1 (RUNX family transcription factor 1; minus strand). Cytogenetic location: 21q22.12.
Variant type: single nucleotide variant.
Coding change: c.630A>G on transcript NM_001754.5 (MANE Select); coding-DNA position 630, A replaced by G.
Protein change: p.Leu210=; no amino-acid change (leucine 210 retained).
Molecular consequence: synonymous variant.
Genome position (GRCh38, 1-based): chr21:34,834,585, T>C on the plus strand (A>G on the coding strand, the complement: RUNX1 is on the minus strand). VCF-style: chr21-34834585-T-C. GRCh37 (hg19) VCF-style: chr21-36206882-T-C.
Other names: NM_001754.4(RUNX1):c.630A>G; p.Leu210=; NM_001754.5(RUNX1):c.630A>G; c.549A>G, p.Leu183= (NM_001001890.3, NM_001122607.2).
Identifiers: ClinVar variation 464000 (VCV000464000.16), dbSNP rs367978995, ClinGen allele CA10014389.
Genomic context (GRCh38, chr21:34,834,585, plus strand): 5'-CTGCTCCAGTTCACTGAGCCGCTCGGAAAAGGACAAGCTCCCGGGCTTGGTCTGATCATC[T>C]AGTTTCTGCCGATGTCCTATTGTGGGGAGCAGGGAGGGGAGGGGATGGGGGGAGGGAAGG-3'
Protein context (NP_001745.2, residues 200-220): PREPRRHRQK[Leu210=]DDQTKPGSLS

ClinVar aggregate classification (germline): Likely benign. Review status: reviewed by expert panel (3 of 4 stars). 4 submissions from 4 submitters: Likely benign (1). 3 of the submissions do not count toward it. Last evaluated 2026-06-01.

Conditions:
Inborn genetic diseases. Identifiers: MedGen C0950123, MeSH D030342.
Hereditary thrombocytopenia and hematological cancer predisposition syndrome associated with RUNX1. Also called: PLATELET DISORDER, ASPIRIN-LIKE; Familial Platelet Disorder with Propensity to Acute Myelogenous Leukemia; Familial thrombocytopenia with propensity to acute myelogenous leukemia; RUNX1 Familial Platelet Disorder with Associated Myeloid Malignancies. Identifiers: Orphanet 71290, MedGen C1832388, MeSH C563324, MONDO:0100083, OMIM 601399.
Hereditary thrombocytopenia and hematologic cancer predisposition syndrome. Identifiers: Orphanet 71290, MedGen CN281654, MONDO:0011071.

Allele frequency attached by ClinVar (database versions not stated): gnomAD exomes 0.00001 and 0.00002; TOPMed 0.00001; ExAC 0.00002; gnomAD 0.00002; ESP Exome Variant Server 0.00008.
gnomAD v4.1: 16 of 1,611,132 alleles (0.00099%); highest among the groups gnomAD compares: Admixed American, 0.005%; no homozygotes.

Submissions (4):

ClinGen Myeloid Malignancy Variant Curation Expert Panel
Classification: Likely benign for Hereditary thrombocytopenia and hematologic cancer predisposition syndrome. Last evaluated: 2026-06-01. Review status: reviewed by expert panel. Criteria: ClinGen MyeloMalig ACMG Specifications V3.1. Collection method: curation. Allele origin: germline. Inheritance: Autosomal dominant inheritance.
Comment: NM_001754.5(RUNX1):c.630A>G (p.Leu210=) is a synonymous variant which is completely absent from all population databases with at least 20x coverage for RUNX1 (PM2_Supporting) and has a SpliceAI score ≤ 0.20 (0.01) (BP4, BP7). In summary, this variant meets criteria to be classified as likely benign. ACMG/AMP criteria applied, as specified by the Myeloid Malignancy Variant Curation Expert Panel for RUNX1: PM2_Supporting, BP4, BP7.

Labcorp Genetics (formerly Invitae), Labcorp
Classification: Likely benign for Hereditary thrombocytopenia and hematological cancer predisposition syndrome associated with RUNX1. Last evaluated: 2025-11-10. Review status: criteria provided, single submitter. Criteria: Invitae Variant Classification Sherloc (09022015). Collection method: clinical testing. Allele origin: germline. Not counted in ClinVar's aggregate classification.

Mayo Clinic Laboratories, Mayo Clinic
Classification: Likely benign. Last evaluated: 2024-12-26. Review status: criteria provided, single submitter. Criteria: ACMG Guidelines, 2015. Collection method: clinical testing. Allele origin: germline. Observed: 1 variant allele. Not counted in ClinVar's aggregate classification.
Comment: BP4, BP7, PM2_supporting

Ambry Genetics
Classification: Likely benign for Inborn genetic diseases. Last evaluated: 2024-11-26. Review status: criteria provided, single submitter. Criteria: Ambry Variant Classification Scheme 2023. Collection method: clinical testing. Allele origin: germline. Not counted in ClinVar's aggregate classification.